The following is an entry in ClinVar:

ClinVar aggregate classification (germline): Uncertain significance (1 of 4 stars; one submission).

Conditions:
Ataxia-telangiectasia syndrome (AT). Also called: LOUIS-BAR SYNDROME; Cerebello-oculocutaneous telangiectasia; Immunodeficiency with ataxia telangiectasia; Ataxia telangiectasia (A-T); Ataxia-telangiectasia, complementation group D; AT, COMPLEMENTATION GROUP C. Identifiers: Orphanet 100, MedGen C0004135, MONDO:0008840, OMIM 208900.

Submission:

Labcorp Genetics (formerly Invitae), Labcorp
Classification: Uncertain significance for Ataxia-telangiectasia syndrome. Last evaluated: 2023-06-21. Review status: criteria provided, single submitter. Criteria: Invitae Variant Classification Sherloc (09022015). Collection method: clinical testing. Allele origin: germline.
Comment: This sequence change replaces alanine, which is neutral and non-polar, with isoleucine, which is neutral and non-polar, at codon 2274 of the ATM protein (p.Ala2274Ile). Information on the frequency of this variant in the gnomAD database is not available, as this variant may be reported differently in the database. This variant has not been reported in the literature in individuals affected with ATM-related conditions. An algorithm developed to predict the effect of missense changes on protein structure and function (PolyPhen-2) suggests that this variant is likely to be disruptive. In summary, the available evidence is currently insufficient to determine the role of this variant in disease. Therefore, it has been classified as a Variant of Uncertain Significance.

NM_000051.4(ATM):c.6820_6821delinsAT (p.Ala2274Ile)

Genes: ATM (ATM serine/threonine kinase; plus strand), C11orf65 (chromosome 11 open reading frame 65; minus strand). Cytogenetic location: 11q22.3.
Variant type: Indel.
Coding change: c.6820_6821delinsAT on transcript NM_000051.4 (MANE Select); coding-DNA positions 6820 to 6821, GC replaced by AT.
Protein change: p.Ala2274Ile; replaces alanine 2274 with isoleucine.
Molecular consequence: missense variant. On other transcripts: intron variant (2).
Genome position (GRCh38, 1-based): chr11:108,326,070-108,326,071, GC replaced by AT. VCF-style: chr11-108326070-GC-AT. GRCh37 (hg19) VCF-style: chr11-108196797-GC-AT.
Other names: c.6820_6821delinsAT, p.Ala2274Ile (NM_001351834.2); c.641-17000_641-16999delinsAT (NM_001330368.2); c.*38+9149_*38+9150delinsAT (NM_001351110.2); short protein forms A2274I.
Identifiers: ClinVar variation 2721107 (VCV002721107.3), dbSNP rs2547215440, ClinGen allele CA2697556940.
Genomic context (GRCh38, chr11:108,326,070, plus strand): 5'-AGTATCAGTAGTAAAAGTATTTATTCCCATATGTCATTTTCATTTCAGCTCCCTGAAAGG[GC>AT]AATATTTCAAATTAAACAGTACAATTCAGTTAGCTGTGGAGTCTCTGAGTGGCAGCTGGA-3'
Protein context (NP_000042.3, residues 2264-2284): TFKNTQLPER[Ala2274Ile]IFQIKQYNSV